The following is an entry in ClinVar:

ClinVar aggregate classification (germline): Benign (1 of 4 stars; one submission).

Allele frequency attached by ClinVar (database versions not stated): 1000 Genomes Project 0.13438; gnomAD 0.13566 and 0.14186; 1000 Genomes Project 30x 0.13882; TOPMed 0.13979.
gnomAD v4.1: 20,593 of 152,092 alleles (14%); highest among the groups gnomAD compares: African/African-American, 30%; 2,197 homozygotes.

Submission:

GeneDx
Classification: Benign. Last evaluated: 2018-06-16. Review status: criteria provided, single submitter. Criteria: GeneDx Variant Classification (06012015). Collection method: clinical testing. Allele origin: germline. Affected: yes.
Comment: This variant is considered likely benign or benign based on one or more of the following criteria: it is a conservative change, it occurs at a poorly conserved position in the protein, it is predicted to be benign by multiple in silico algorithms, and/or has population frequency not consistent with disease.

NM_139276.3(STAT3):c.373-253G>C

Gene: STAT3 (signal transducer and activator of transcription 3; minus strand). Cytogenetic location: 17q21.2.
Variant type: single nucleotide variant.
Coding change: c.373-253G>C on transcript NM_139276.3 (MANE Select); 253 bases into the intron before coding-DNA position 373, G replaced by C.
Molecular consequence: intron variant.
Genome position (GRCh38, 1-based): chr17:42,339,662, C>G on the plus strand (G>C on the coding strand, the complement: STAT3 is on the minus strand). VCF-style: chr17-42339662-C-G. GRCh37 (hg19) VCF-style: chr17-40491680-C-G.
Other names: c.373-850G>C (NM_001384989.1); c.373-253G>C (NM_001384992.1, NM_001384984.1, NM_001369519.1 and 15 more transcripts); c.295-253G>C (NM_001384985.1).
Identifiers: ClinVar variation 667654 (VCV000667654.1), dbSNP rs2306580, ClinGen allele CA290743690.
Genomic context (GRCh38, chr17:42,339,662, plus strand): 5'-CCCCTTTATGGCACTAAGAGACCACATGTTCAGCTAAGACATGGTCTATGCCTTCAAAAA[C>G]CTCATGGGCAAGTATGTCAAAAAATTCAAAACAATTTATGACAGCAGATGTTGGATGTCT-3'